The following is an entry in ClinVar:

NM_000038.6(APC):c.4077A>T (p.Lys1359Asn)

Gene: APC (APC regulator of Wnt signaling pathway; plus strand). Cytogenetic location: 5q22.2.
Variant type: single nucleotide variant.
Coding change: c.4077A>T on transcript NM_000038.6 (MANE Select); coding-DNA position 4077, A replaced by T.
Protein change: p.Lys1359Asn; replaces lysine 1359 with asparagine.
Molecular consequence: missense variant.
Genome position (GRCh38, 1-based): chr5:112,839,671, A>T. VCF-style: chr5-112839671-A-T. GRCh37 (hg19) VCF-style: chr5-112175368-A-T.
Other names: c.4077A>T, p.Lys1359Asn (NM_001127510.3, NM_001354895.2); c.4023A>T, p.Lys1341Asn (NM_001127511.3); c.4131A>T, p.Lys1377Asn (NM_001354896.2); c.4107A>T, p.Lys1369Asn (NM_001354897.2); c.4002A>T, p.Lys1334Asn (NM_001354898.2); c.3993A>T, p.Lys1331Asn (NM_001354899.2); c.3954A>T, p.Lys1318Asn (NM_001354900.2); c.3900A>T, p.Lys1300Asn (NM_001354901.2); and 5 more; short protein forms K1318N, K1334N, K1233N, K1331N, K1377N, K1076N, K1268N, K1359N.
Identifiers: ClinVar variation 1436730 (VCV001436730.9), dbSNP rs2149905802, ClinGen allele CA16030262.

ClinVar aggregate classification (germline): Uncertain significance. Review status: criteria provided, multiple submitters, no conflicts (2 of 4 stars). 2 submissions from 2 submitters: Uncertain significance (2). Last evaluated 2024-08-29.

Conditions:
Familial adenomatous polyposis 1 (FAP1). Also called: FAMILIAL ADENOMATOUS POLYPOSIS 1, ATTENUATED; POLYPOSIS, ADENOMATOUS INTESTINAL. Identifiers: MedGen C2713442, MONDO:0021056, OMIM 175100. Disease mechanism: loss of function.
Hereditary cancer-predisposing syndrome. Also called: Neoplastic Syndromes, Hereditary; Hereditary Cancer Syndrome; Hereditary neoplastic syndrome; Tumor predisposition. Identifiers: Orphanet 140162, MedGen C0027672, MeSH D009386, MONDO:0015356.

Submissions (2):

Labcorp Genetics (formerly Invitae), Labcorp
Classification: Uncertain significance for Familial adenomatous polyposis 1. Last evaluated: 2024-08-29. Review status: criteria provided, single submitter. Criteria: Invitae Variant Classification Sherloc (09022015). Collection method: clinical testing. Allele origin: germline.
Comment: This sequence change replaces lysine, which is basic and polar, with asparagine, which is neutral and polar, at codon 1359 of the APC protein (p.Lys1359Asn). This variant is not present in population databases (gnomAD no frequency). This variant has not been reported in the literature in individuals affected with APC-related conditions. ClinVar contains an entry for this variant (Variation ID: 1436730). Invitae Evidence Modeling of protein sequence and biophysical properties (such as structural, functional, and spatial information, amino acid conservation, physicochemical variation, residue mobility, and thermodynamic stability) indicates that this missense variant is not expected to disrupt APC protein function with a negative predictive value of 95%. In summary, the available evidence is currently insufficient to determine the role of this variant in disease. Therefore, it has been classified as a Variant of Uncertain Significance.

Sema4
Classification: Uncertain significance for Hereditary cancer-predisposing syndrome. Last evaluated: 2021-11-08. Review status: criteria provided, single submitter. Criteria: Sema4 Curation Guidelines. Collection method: curation. Allele origin: germline.
Comment: The APC c.4077A>T (p.K1359N) variant has not been reported in the literature to our knowledge. It was not observed in the large and broad cohorts of the Genome Aggregation Database (PMID: 32461654). This variant has not been reported in ClinVar. Functional studies have not been performed, and in silico predictions of the variant's effect on protein function are inconclusive. The evidence is insufficient to meet ACMG/AMP criteria for classifying the variant as benign or pathogenic. Thus, the clinical significance of this variant is currently uncertain.